The following is an entry in ClinVar:

NM_003803.4(MYOM1):c.3860G>A (p.Gly1287Asp)

Gene: MYOM1 (myomesin 1; minus strand). Cytogenetic location: 18p11.31.
Variant type: single nucleotide variant.
Coding change: c.3860G>A on transcript NM_003803.4 (MANE Select); coding-DNA position 3860, G replaced by A.
Protein change: p.Gly1287Asp; replaces glycine 1287 with aspartic acid.
Molecular consequence: missense variant.
Genome position (GRCh38, 1-based): chr18:3,094,174, C>T on the plus strand (G>A on the coding strand, the complement: MYOM1 is on the minus strand). VCF-style: chr18-3094174-C-T. GRCh37 (hg19) VCF-style: chr18-3094172-C-T.
Other names: c.3572G>A, p.Gly1191Asp (NM_019856.2); short protein forms G1191D, G1287D.
Identifiers: ClinVar variation 1735606 (VCV001735606.2), dbSNP rs918085793, ClinGen allele CA295546156.

ClinVar aggregate classification (germline): Uncertain significance (1 of 4 stars; one submission).

Allele frequency attached by ClinVar (database versions not stated): gnomAD exomes below 0.00001.
gnomAD v4.1: 8 of 1,613,836 alleles (0.0005%); highest among the groups gnomAD compares: South Asian, 0.0033%; 1 homozygote.

Submission:

Ambry Genetics
Classification: Uncertain significance. Last evaluated: 2021-10-07. Review status: criteria provided, single submitter. Criteria: Ambry Variant Classification Scheme 2023. Collection method: clinical testing. Allele origin: germline.
Comment: The p.G1287D variant (also known as c.3860G>A), located in coding exon 25 of the MYOM1 gene, results from a G to A substitution at nucleotide position 3860. The glycine at codon 1287 is replaced by aspartic acid, an amino acid with similar properties. This amino acid position is conserved. In addition, this alteration is predicted to be tolerated by in silico analysis. Since supporting evidence is limited at this time, the clinical significance of this alteration remains unclear.